The following is an entry in ClinVar:

ClinVar aggregate classification (germline): Uncertain significance (1 of 4 stars; one submission).

Submission:

Labcorp Genetics (formerly Invitae), Labcorp
Classification: Uncertain significance. Last evaluated: 2025-10-17. Review status: criteria provided, single submitter. Criteria: Invitae Variant Classification Sherloc (09022015). Collection method: clinical testing. Allele origin: germline.
Comment: This sequence change replaces alanine, which is neutral and non-polar, with aspartic acid, which is acidic and polar, at codon 472 of the FH protein (p.Ala472Asp). This variant is not present in population databases (gnomAD no frequency). This variant has not been reported in the literature in individuals affected with FH-related conditions. ClinVar contains an entry for this variant (Variation ID: 1047845). Invitae Evidence Modeling of protein sequence and biophysical properties (such as structural, functional, and spatial information, amino acid conservation, physicochemical variation, residue mobility, and thermodynamic stability) indicates that this missense variant is expected to disrupt FH protein function with a positive predictive value of 95%. In summary, the available evidence is currently insufficient to determine the role of this variant in disease. Therefore, it has been classified as a Variant of Uncertain Significance.

NM_000143.4(FH):c.1415C>A (p.Ala472Asp)

Gene: FH (fumarate hydratase; minus strand). Cytogenetic location: 1q43.
Variant type: single nucleotide variant.
Coding change: c.1415C>A on transcript NM_000143.4 (MANE Select); coding-DNA position 1415, C replaced by A.
Protein change: p.Ala472Asp; replaces alanine 472 with aspartic acid.
Molecular consequence: missense variant.
Genome position (GRCh38, 1-based): chr1:241,497,946, G>T on the plus strand (C>A on the coding strand, the complement: FH is on the minus strand). VCF-style: chr1-241497946-G-T. GRCh37 (hg19) VCF-style: chr1-241661246-G-T.
Other names: short protein forms A472D.
Identifiers: ClinVar variation 1047845 (VCV001047845.9), dbSNP rs765643179, ClinGen allele CA345450913.